The following is an entry in ClinVar:

NM_004360.5(CDH1):c.164-18G>C

Gene: CDH1 (cadherin 1; plus strand). Cytogenetic location: 16q22.1.
Variant type: single nucleotide variant.
Coding change: c.164-18G>C on transcript NM_004360.5 (MANE Select); 18 bases into the intron before coding-DNA position 164, G replaced by C.
Molecular consequence: intron variant.
Genome position (GRCh38, 1-based): chr16:68,801,652, G>C. VCF-style: chr16-68801652-G-C. GRCh37 (hg19) VCF-style: chr16-68835555-G-C.
Other names: c.-1452-18G>C (NM_001317185.2); c.-1656-18G>C (NM_001317186.2); c.164-18G>C (NM_001317184.2).
Identifiers: ClinVar variation 3378884 (VCV003378884.1).
Genomic context (GRCh38, chr16:68,801,652, plus strand): 5'-AAGTTCGCTCTTTGGAGAAGGAATGCTCTTGTCTTTAATCTGTCCAATTTCCTAATCTCT[G>C]TGATTTCTGCCCTGCAGTGAATTTTGAAGATTGCACCGGTCGACAAAGGACAGCCTATTT-3'

ClinVar aggregate classification (germline): Likely benign (1 of 4 stars; one submission).

Conditions:
Hereditary diffuse gastric adenocarcinoma (HDGC). Also called: DIFFUSE GASTRIC AND LOBULAR BREAST CANCER SYNDROME. Identifiers: Orphanet 26106, MedGen C1708349, MONDO:0007648, OMIM 137215.

Submission:

Myriad Genetics, Inc.
Classification: Likely benign for Hereditary diffuse gastric adenocarcinoma. Last evaluated: 2024-09-12. Review status: criteria provided, single submitter. Criteria: Myriad Autosomal Dominant, Autosomal Recessive and X-Linked Classification Criteria (2023). Collection method: clinical testing. Allele origin: unknown.
Comment: This variant is considered likely benign. This variant is intronic and is not expected to impact mRNA splicing.